The following is an entry in ClinVar:

ClinVar aggregate classification (germline): Conflicting classifications of pathogenicity. Review status: criteria provided, conflicting classifications (1 of 4 stars). 5 submissions from 5 submitters: Uncertain significance (4); Likely benign (1). Last evaluated 2024-05-10.

Conditions:
Acute lymphoid leukemia (ALL). Also called: Lymphoblastic leukemia; Acute lymphoblastic leukemia; Acute lymphocytic leukemia; Leukemia, acute lymphoblastic, somatic. Identifiers: Orphanet 513, MedGen C0023449, MONDO:0004967, OMIM 613065, HP:0006721.
Aplastic anemia. Identifiers: Orphanet 182040, Orphanet 88, MedGen C0002874, MONDO:0015909, OMIM 609135, HP:0001915.
Microcephaly, normal intelligence and immunodeficiency (NBS). Also called: BERLIN BREAKAGE SYNDROME; Ataxia telangiectasia variant V1; IMMUNODEFICIENCY, MICROCEPHALY, AND CHROMOSOMAL INSTABILITY; SEEMANOVA SYNDROME II; Immunodeficiency, microcephaly with normal intelligence; Nijmegen breakage syndrome. Identifiers: Orphanet 647, MedGen C0398791, MONDO:0009623, OMIM 251260.
Hereditary cancer-predisposing syndrome. Also called: Tumor predisposition; Neoplastic Syndromes, Hereditary; Hereditary Cancer Syndrome; Hereditary neoplastic syndrome. Identifiers: Orphanet 140162, MedGen C0027672, MeSH D009386, MONDO:0015356.

Allele frequency attached by ClinVar (database versions not stated): gnomAD exomes below 0.00001.
gnomAD v4.1: 2 of 1,612,518 alleles (0.00012%); highest among the groups gnomAD compares: Non-Finnish European, 0.000085%; no homozygotes.

Submissions (5):

Fulgent Genetics
Classification: Uncertain significance for Microcephaly, normal intelligence and immunodeficiency; Aplastic anemia; Acute lymphoid leukemia. Last evaluated: 2024-05-10. Review status: criteria provided, single submitter. Criteria: ACMG Guidelines, 2015. Collection method: clinical testing. Allele origin: germline.

Labcorp Genetics (formerly Invitae), Labcorp
Classification: Uncertain significance for Microcephaly, normal intelligence and immunodeficiency. Last evaluated: 2023-04-27. Review status: criteria provided, single submitter. Criteria: Invitae Variant Classification Sherloc (09022015). Collection method: clinical testing. Allele origin: germline.
Comment: In summary, the available evidence is currently insufficient to determine the role of this variant in disease. Therefore, it has been classified as a Variant of Uncertain Significance. Algorithms developed to predict the effect of missense changes on protein structure and function output the following: SIFT: "Not Available"; PolyPhen-2: "Benign"; Align-GVGD: "Not Available". The serine amino acid residue is found in multiple mammalian species, which suggests that this missense change does not adversely affect protein function. ClinVar contains an entry for this variant (Variation ID: 629098). This variant has not been reported in the literature in individuals affected with NBN-related conditions. This sequence change replaces cysteine, which is neutral and slightly polar, with serine, which is neutral and polar, at codon 478 of the NBN protein (p.Cys478Ser). This variant is present in population databases (no rsID available, gnomAD 0.01%).

Genome-Nilou Lab
Classification: Uncertain significance for Microcephaly, normal intelligence and immunodeficiency. Last evaluated: 2021-11-07. Review status: criteria provided, single submitter. Criteria: ACMG Guidelines, 2015. Collection method: clinical testing. Allele origin: germline. Affected: no.

Sema4
Classification: Uncertain significance for Hereditary cancer-predisposing syndrome. Last evaluated: 2021-10-24. Review status: criteria provided, single submitter. Criteria: Sema4 Curation Guidelines. Collection method: curation. Allele origin: germline.
Comment: The NBN c.1432T>A (p.C478S) variant has not been reported in the literature to our knowledge. It was observed in 1/249538 chromosomes in the large and broad cohorts of the Genome Aggregation Database (PMID: 32461654), and has been reported in ClinVar (Variation ID: 629098). In silico tools suggest the impact of the variant on protein function is benign, though these predictions have not been confirmed by functional studies. The evidence is insufficient to meet ACMG/AMP criteria for classifying the variant as benign or pathogenic. Thus, the clinical significance of this variant is currently uncertain.

Ambry Genetics
Classification: Likely benign for Hereditary cancer-predisposing syndrome. Last evaluated: 2020-03-24. Review status: criteria provided, single submitter. Criteria: Ambry Variant Classification Scheme 2023. Collection method: clinical testing. Allele origin: germline.

NM_002485.5(NBN):c.1432T>A (p.Cys478Ser)

Gene: NBN (nibrin; minus strand). Cytogenetic location: 8q21.3.
Variant type: single nucleotide variant.
Coding change: c.1432T>A on transcript NM_002485.5 (MANE Select); coding-DNA position 1432, T replaced by A.
Protein change: p.Cys478Ser; replaces cysteine 478 with serine.
Molecular consequence: missense variant.
Genome position (GRCh38, 1-based): chr8:89,953,657, A>T on the plus strand (T>A on the coding strand, the complement: NBN is on the minus strand). VCF-style: chr8-89953657-A-T. GRCh37 (hg19) VCF-style: chr8-90965885-A-T.
Other names: c.1186T>A, p.Cys396Ser (NM_001024688.3); short protein forms C478S, C396S.
Identifiers: ClinVar variation 629098 (VCV000629098.17), dbSNP rs1199013619, ClinGen allele CA371655861.